The following is an entry in ClinVar:

ClinVar aggregate classification (germline): Likely benign (1 of 4 stars; one submission).

gnomAD v4.1: 30 of 1,535,244 alleles (0.002%); highest among the groups gnomAD compares: Admixed American, 0.035%; no homozygotes.

Submission:

CeGaT Center for Human Genetics Tuebingen
Classification: Likely benign. Last evaluated: 2025-04-01. Review status: criteria provided, single submitter. Criteria: CeGaT Center For Human Genetics Tuebingen Variant Classification Criteria Version 2. Collection method: clinical testing. Allele origin: germline. Affected: yes. Observed: 1 variant allele.
Comment: ELP2: BP4, BP7

NM_018255.4(ELP2):c.523+551C>T

Gene: ELP2 (elongator acetyltransferase complex subunit 2; plus strand). Cytogenetic location: 18q12.2.
Variant type: single nucleotide variant.
Coding change: c.523+551C>T on transcript NM_018255.4 (MANE Select); 551 bases into the intron after coding-DNA position 523, C replaced by T.
Molecular consequence: intron variant. On other transcripts: synonymous variant (3).
Genome position (GRCh38, 1-based): chr18:36,139,423, C>T. VCF-style: chr18-36139423-C-T. GRCh37 (hg19) VCF-style: chr18-33719386-C-T.
Other names: c.528C>T, p.Thr176= (NM_001242875.3); c.450C>T, p.Thr150= (NM_001242876.3, NM_001324466.2); c.523+551C>T (NM_001324467.2, NM_001324465.2); c.445+997C>T (NM_001242877.3, NM_001242878.3, NM_001242879.3); c.76+551C>T (NM_001324468.2).
Identifiers: ClinVar variation 3898266 (VCV003898266.7).